The following is an entry in ClinVar:

NM_001142699.3(DLG2):c.1516G>A (p.Ala506Thr)

Gene: DLG2 (discs large MAGUK scaffold protein 2; minus strand). Cytogenetic location: 11q14.1.
Variant type: single nucleotide variant.
Coding change: c.1516G>A on transcript NM_001142699.3 (MANE Select); coding-DNA position 1516, G replaced by A.
Protein change: p.Ala506Thr; replaces alanine 506 with threonine.
Molecular consequence: missense variant. On other transcripts: non-coding transcript variant (1).
Genome position (GRCh38, 1-based): chr11:83,874,469, C>T on the plus strand (G>A on the coding strand, the complement: DLG2 is on the minus strand). VCF-style: chr11-83874469-C-T. GRCh37 (hg19) VCF-style: chr11-83585512-C-T.
Other names: c.892G>A, p.Ala298Thr (NM_001142700.2); c.1318G>A, p.Ala440Thr (NM_001206769.2, NM_001377966.1, NM_001377967.1); c.1201G>A, p.Ala401Thr (NM_001300983.1, NM_001364.3, NM_001377968.1); c.1552G>A, p.Ala518Thr (NM_001351274.2); c.1549G>A, p.Ala517Thr (NM_001351275.2); c.1258G>A, p.Ala420Thr (NM_001351276.2); c.1162G>A, p.Ala388Thr (NM_001377970.1, NM_001377971.1); c.1102G>A, p.Ala368Thr (NM_001377972.1, NM_001377975.1); and 2 more; short protein forms A298T, A316T, A359T, A368T, A388T, A401T, A420T, A440T.
Identifiers: ClinVar variation 3038904 (VCV003038904.2), dbSNP rs190715807, ClinGen allele CA6211604.
Genomic context (GRCh38, chr11:83,874,469, plus strand): 5'-TATTATCTTACCCTTCCAGGGAGACGGCCCGTTGGAGAGTCATTGAAGGCTGACGAGTTG[C>T]GGTGCTATGTTGGGAATGACTGCAAGAAAAGACAGAAGAAACACACATCATTTATTTATT-3'
Protein context (NP_001136171.1, residues 496-516): EMTSHSQHST[Ala506Thr]TRQPSMTLQR

ClinVar aggregate classification (germline): Likely benign (0 of 4 stars; one submission).

Conditions:
DLG2-related disorder. Also called: DLG2-related condition.

Allele frequency attached by ClinVar (database versions not stated): gnomAD exomes 0.00014; TOPMed 0.00094; ESP Exome Variant Server 0.00100; 1000 Genomes Project 0.00160; 1000 Genomes Project 30x 0.00187.
gnomAD v4.1: 351 of 1,601,074 alleles (0.022%); highest among the groups gnomAD compares: African/African-American, 0.31%; 6 homozygotes.

Submission:

PreventionGenetics, part of Exact Sciences
Classification: Likely benign for DLG2-related condition. Last evaluated: 2022-12-20. Review status: no assertion criteria provided. Collection method: clinical testing. Allele origin: germline.
Comment: This variant is classified as likely benign based on ACMG/AMP sequence variant interpretation guidelines (Richards et al. 2015 PMID: 25741868, with internal and published modifications).